The following is an entry in ClinVar:

NM_001282531.3(ADNP):c.1039A>C (p.Met347Leu)

Gene: ADNP (activity dependent neuroprotector homeobox; minus strand). Cytogenetic location: 20q13.13.
Variant type: single nucleotide variant.
Coding change: c.1039A>C on transcript NM_001282531.3 (MANE Select); coding-DNA position 1039, A replaced by C.
Protein change: p.Met347Leu; replaces methionine 347 with leucine.
Molecular consequence: missense variant.
Genome position (GRCh38, 1-based): chr20:50,893,675, T>G on the plus strand (A>C on the coding strand, the complement: ADNP is on the minus strand). VCF-style: chr20-50893675-T-G. GRCh37 (hg19) VCF-style: chr20-49510212-T-G.
Other names: c.1039A>C, p.Met347Leu (NM_001282532.2, NM_001347511.2, NM_015339.5 and 1 more transcripts); short protein forms M347L.
Identifiers: ClinVar variation 2121435 (VCV002121435.4), dbSNP rs201610319, ClinGen allele CA408974729.
Genomic context (GRCh38, chr20:50,893,675, plus strand): 5'-TTACAGACTGAGATTGTTGAGGAATGGAAACTGGTGCGTTGCCACCTAGACCCAGTCTCA[T>G]TGACTGACCAACACTGTAACCCTGGCCTACAGATTTGACTCCATAGTTGTTCTGCTGCAG-3'
Protein context (NP_001269460.1, residues 337-357): VGQGYSVGQS[Met347Leu]RLGLGGNAPV

ClinVar aggregate classification (germline): Uncertain significance (1 of 4 stars; one submission).

Submission:

Labcorp Genetics (formerly Invitae), Labcorp
Classification: Uncertain significance. Last evaluated: 2022-05-04. Review status: criteria provided, single submitter. Criteria: Invitae Variant Classification Sherloc (09022015). Collection method: clinical testing. Allele origin: germline.
Comment: In summary, the available evidence is currently insufficient to determine the role of this variant in disease. Therefore, it has been classified as a Variant of Uncertain Significance. Algorithms developed to predict the effect of missense changes on protein structure and function are either unavailable or do not agree on the potential impact of this missense change (SIFT: "Not Available"; PolyPhen-2: "Benign"; Align-GVGD: "Not Available"). This variant has not been reported in the literature in individuals affected with ADNP-related conditions. This variant is not present in population databases (gnomAD no frequency). This sequence change replaces methionine, which is neutral and non-polar, with leucine, which is neutral and non-polar, at codon 347 of the ADNP protein (p.Met347Leu).